The following is an entry in ClinVar:

NM_000387.6(SLC25A20):c.463T>C (p.Cys155Arg)

Gene: SLC25A20 (solute carrier family 25 member 20; minus strand). Cytogenetic location: 3p21.31.
Variant type: single nucleotide variant.
Coding change: c.463T>C on transcript NM_000387.6 (MANE Select); coding-DNA position 463, T replaced by C.
Protein change: p.Cys155Arg; replaces cysteine 155 with arginine.
Molecular consequence: missense variant.
Genome position (GRCh38, 1-based): chr3:48,862,614, A>G on the plus strand (T>C on the coding strand, the complement: SLC25A20 is on the minus strand). VCF-style: chr3-48862614-A-G. GRCh37 (hg19) VCF-style: chr3-48900047-A-G.
Other names: short protein forms C155R.
Identifiers: ClinVar variation 3896465 (VCV003896465.2).

ClinVar aggregate classification (germline): Uncertain significance (1 of 4 stars; one submission).

gnomAD v4.1: 2 of 1,614,140 alleles (0.00012%); highest among the groups gnomAD compares: East Asian, 0.0022%; no homozygotes.

Submission:

Women's Health and Genetics/Laboratory Corporation of America, LabCorp
Classification: Uncertain significance. Last evaluated: 2025-04-05. Review status: criteria provided, single submitter. Criteria: LabCorp Variant Classification Summary - May 2015. Collection method: clinical testing. Allele origin: germline.
Comment: Variant summary: SLC25A20 c.463T>C (p.Cys155Arg) results in a non-conservative amino acid change in the encoded protein sequence. Five of five in-silico tools predict a damaging effect of the variant on protein function. The variant allele was found at a frequency of 4e-06 in 251448 control chromosomes (gnomAD). The available data on variant occurrences in the general population are insufficient to allow any conclusion about variant significance. c.463T>C has been reported in the literature in an individual affected with Carnitine-Acylcarnitine Translocase Deficiency (Permall_2020). These data do not allow any conclusion about variant significance. To our knowledge, no experimental evidence demonstrating an impact on protein function has been reported. The following publication has been ascertained in the context of this evaluation (PMID: 31561269). No submitters have cited clinical-significance assessments for this variant to ClinVar. Based on the evidence outlined above, the variant was classified as uncertain significance.

Literature cited by the submitters: PubMed 31561269.